The following is an entry in ClinVar:

NM_022041.4(GAN):c.1418T>C (p.Phe473Ser)

Gene: GAN (gigaxonin; plus strand). Cytogenetic location: 16q23.2.
Variant type: single nucleotide variant.
Coding change: c.1418T>C on transcript NM_022041.4 (MANE Select); coding-DNA position 1418, T replaced by C.
Protein change: p.Phe473Ser; replaces phenylalanine 473 with serine.
Molecular consequence: missense variant.
Genome position (GRCh38, 1-based): chr16:81,365,394, T>C. VCF-style: chr16-81365394-T-C. GRCh37 (hg19) VCF-style: chr16-81398999-T-C.
Other names: c.779T>C, p.Phe260Ser (NM_001377486.1); short protein forms F260S, F473S.
Identifiers: ClinVar variation 840391 (VCV000840391.9), dbSNP rs1910819905, ClinGen allele CA396891345.
Genomic context (GRCh38, chr16:81,365,394, plus strand): 5'-GTGTGTGGCCTTTCAGGTTTGGAGCGGTGGCCTGTGGAGTTGCTATGGAGCTGTATGTGT[T>C]TGGGGGAGTCCGAAGTCGTGAGGACGCCCAGGGTAGCGAGATGGTAACTTGCAAGTCCGA-3'
Protein context (NP_071324.1, residues 463-483): ACGVAMELYV[Phe473Ser]GGVRSREDAQ

ClinVar aggregate classification (germline): Uncertain significance (1 of 4 stars; one submission).

Conditions:
Giant axonal neuropathy 1 (GAN1). Also called: GAN-Related Neurodegeneration; GIANT AXONAL NEUROPATHY 1, AUTOSOMAL RECESSIVE. Identifiers: Orphanet 643, MedGen C1850386, MONDO:0009749, OMIM 256850.

gnomAD v4.1: 3 of 1,613,700 alleles (0.00019%); highest among the groups gnomAD compares: South Asian, 0.0011%; no homozygotes.

Submission:

Labcorp Genetics (formerly Invitae), Labcorp
Classification: Uncertain significance for Giant axonal neuropathy 1. Last evaluated: 2019-01-30. Review status: criteria provided, single submitter. Criteria: Invitae Variant Classification Sherloc (09022015). Collection method: clinical testing. Allele origin: germline.
Comment: In summary, the available evidence is currently insufficient to determine the role of this variant in disease. Therefore, it has been classified as a Variant of Uncertain Significance. Algorithms developed to predict the effect of missense changes on protein structure and function are either unavailable or do not agree on the potential impact of this missense change (SIFT: "Tolerated"; PolyPhen-2: "Probably Damaging"; Align-GVGD: "Class C0"). This variant has not been reported in the literature in individuals with GAN-related conditions. This variant is not present in population databases (ExAC no frequency). This sequence change replaces phenylalanine with serine at codon 473 of the GAN protein (p.Phe473Ser). The phenylalanine residue is moderately conserved and there is a large physicochemical difference between phenylalanine and serine.